The following is an entry in ClinVar:

ClinVar aggregate classification (germline): Pathogenic/Likely pathogenic. Review status: criteria provided, multiple submitters, no conflicts (2 of 4 stars). 6 submissions from 6 submitters: Pathogenic (4); Likely pathogenic (1). 1 of the submissions does not count toward it. Last evaluated 2024-11-19.

Conditions:
Microcephalic primordial dwarfism, Alazami type. Also called: FACIAL DYSMORPHISM, INTELLECTUAL DISABILITY, AND PRIMORDIAL DWARFISM; Alazami syndrome. Identifiers: Orphanet 319671, MedGen C3554439, MONDO:0014031, OMIM 615071.

Submissions (6):

Labcorp Genetics (formerly Invitae), Labcorp
Classification: Pathogenic. Last evaluated: 2024-11-19. Review status: criteria provided, single submitter. Criteria: Invitae Variant Classification Sherloc (09022015). Collection method: clinical testing. Allele origin: germline.
Comment: This sequence change creates a premature translational stop signal (p.Lys364Argfs*12) in the LARP7 gene. It is expected to result in an absent or disrupted protein product. Loss-of-function variants in LARP7 are known to be pathogenic (PMID: 22865833, 26374271, 26607181). This variant is present in population databases (rs775657157, gnomAD 0.004%). This premature translational stop signal has been observed in individual(s) with LARP7-related conditions (PMID: 26607181). ClinVar contains an entry for this variant (Variation ID: 666362). For these reasons, this variant has been classified as Pathogenic.

GeneDx
Classification: Pathogenic. Last evaluated: 2024-03-09. Review status: criteria provided, single submitter. Criteria: GeneDx Variant Classification Process June 2021. Collection method: clinical testing. Allele origin: germline. Affected: yes.
Comment: Frameshift variant predicted to result in protein truncation or nonsense mediated decay in a gene for which loss of function is a known mechanism of disease; This variant is associated with the following publications: (PMID: 26607181)

Revvity Omics, Revvity
Classification: Pathogenic for Microcephalic primordial dwarfism, Alazami type. Last evaluated: 2023-11-07. Review status: criteria provided, single submitter. Criteria: ACMG Guidelines, 2015. Collection method: clinical testing. Allele origin: germline.

Institute of Medical Genetics and Applied Genomics, University Hospital Tübingen
Classification: Likely pathogenic. Last evaluated: 2020-10-23. Review status: criteria provided, single submitter. Criteria: ACMG Guidelines, 2015. Collection method: clinical testing. Allele origin: germline. Inheritance: Unknown mechanism. Affected: yes.

Institute of Human Genetics, University of Leipzig Medical Center
Classification: Pathogenic for Microcephalic primordial dwarfism, Alazami type. Last evaluated: 2015-11-26. Review status: criteria provided, single submitter. Criteria: ACMG Guidelines, 2015. Collection method: clinical testing. Allele origin: germline.

Equipe Genetique des Anomalies du Developpement, Université de Bourgogne
Classification: Likely pathogenic for Microcephalic primordial dwarfism, Alazami type. Review status: no assertion criteria provided. Collection method: clinical testing. Allele origin: inherited. Affected: yes. Not counted in ClinVar's aggregate classification.

Literature cited by the submitters: PubMed 22865833 (cited by Labcorp Genetics (formerly Invitae), Labcorp); PubMed 26374271 (cited by Labcorp Genetics (formerly Invitae), Labcorp); PubMed 26607181 (cited by Labcorp Genetics (formerly Invitae), Labcorp and Institute of Human Genetics, University of Leipzig Medical Center).

NM_016648.4(LARP7):c.1091_1094del (p.Lys364fs)

Genes: LARP7 (La ribonucleoprotein 7, transcriptional regulator; plus strand), MIR302CHG (miR-302/367 cluster host gene; minus strand). Cytogenetic location: 4q25.
Variant type: Deletion.
Coding change: c.1091_1094del on transcript NM_016648.4 (MANE Select); coding-DNA positions 1091 to 1094, 4 bases deleted (AAGA; older notation c.1091_1094delAAGA).
Protein change: p.Lys364fs; shifts the reading frame from lysine 364.
Molecular consequence: frameshift variant.
Genome position (GRCh38, 1-based): chr4:112,647,783-112,647,786, AAGA deleted; deleting any 4 consecutive bases within chr4:112,647,782-112,647,786 gives the same sequence; the c. name uses the placement nearest the transcript's 3' end. VCF-style (leftmost placement, unchanged base first): chr4-112647781-TAAAG-T. GRCh37 (hg19) VCF-style: chr4-113568937-TAAAG-T.
Other names: c.854_857del, p.Lys285fs (NM_001370981.1, NM_001370982.1); c.1091_1094del, p.Lys364fs (NM_015454.3, NM_001267039.4, NM_001370978.1); c.1130_1133del, p.Lys377fs (NM_001370974.1, NM_001370975.1); c.1127_1130del, p.Lys376fs (NM_001370976.1, NM_001370977.1); c.1088_1091del, p.Lys363fs (NM_001370979.1, NM_001370980.1); c.1091_1094del (NM_016648.3); short protein forms K363fs, K377fs, K285fs, K364fs, K376fs.
Identifiers: ClinVar variation 666362 (VCV000666362.14), dbSNP rs775657157, ClinGen allele CA3049384.